The following is an entry in ClinVar:

ClinVar aggregate classification (germline): Pathogenic (1 of 4 stars; one submission).

Conditions:
Cerebral cavernous malformation (CCM). Also called: Cerebral cavernous hemangioma (type); CAVERNOUS ANGIOMA, FAMILIAL; CAVERNOUS ANGIOMATOUS MALFORMATIONS; CEREBRAL CAPILLARY MALFORMATIONS; Cavernous Hemangioma of Brain; Cerebral cavernous malformations. Identifiers: Orphanet 221061, MedGen C2919945, MONDO:0000820, OMIM 116860, HP:0033522.

Submission:

Labcorp Genetics (formerly Invitae), Labcorp
Classification: Pathogenic for Cerebral cavernous malformation. Last evaluated: 2018-02-15. Review status: criteria provided, single submitter. Criteria: Invitae Variant Classification Sherloc (09022015). Collection method: clinical testing. Allele origin: germline.
Comment: This variant is a gross deletion of the genomic region encompassing exons 5-11 of the KRIT1 gene, which includes the initiator codon. The 5' end of this event is unknown as it extends beyond the assayed region for this gene and therefore may encompass additional genes. The 3' boundary is likely confined to intron 5 of the KRIT1 gene. This is expected to result in an absent or disrupted protein product. For these reasons, this variant has been classified as Pathogenic. While this particular deletion has not been reported in the literature, truncating variants and gross deletions in KRIT1 are known to be pathogenic (PMID: 10508515, 11222804, 12404106, 23595507, 18060436).

Literature cited by the submitters: PubMed 10508515; PubMed 11222804; PubMed 12404106; PubMed 23595507; PubMed 18060436.

NC_000007.13:g.(?_91863743)_(91871469_?)del

Gene: KRIT1 (KRIT1 ankyrin repeat containing; minus strand). Cytogenetic location: 7q21.2.
Variant type: Deletion.
Identifiers: ClinVar variation 1072403 (VCV001072403.8).